The following is an entry in ClinVar:

ClinVar aggregate classification (germline): Uncertain significance. Review status: criteria provided, multiple submitters, no conflicts (2 of 4 stars). 2 submissions from 2 submitters: Uncertain significance (2). Last evaluated 2025-08-28.

Conditions:
Inborn genetic diseases. Identifiers: MedGen C0950123, MeSH D030342.

gnomAD v4.1: 13 of 1,569,664 alleles (0.00083%); highest among the groups gnomAD compares: East Asian, 0.0091%; no homozygotes.

Submissions (2):

Ambry Genetics
Classification: Uncertain significance for Inborn genetic diseases. Last evaluated: 2025-08-28. Review status: criteria provided, single submitter. Criteria: Ambry Variant Classification Scheme 2023. Collection method: clinical testing. Allele origin: germline.

Labcorp Genetics (formerly Invitae), Labcorp
Classification: Uncertain significance. Last evaluated: 2024-12-18. Review status: criteria provided, single submitter. Criteria: Invitae Variant Classification Sherloc (09022015). Collection method: clinical testing. Allele origin: germline.
Comment: This sequence change replaces arginine, which is basic and polar, with histidine, which is basic and polar, at codon 567 of the DVL1 protein (p.Arg567His). This variant is present in population databases (no rsID available, gnomAD 0.006%). This variant has not been reported in the literature in individuals affected with DVL1-related conditions. Invitae Evidence Modeling of protein sequence and biophysical properties (such as structural, functional, and spatial information, amino acid conservation, physicochemical variation, residue mobility, and thermodynamic stability) indicates that this missense variant is not expected to disrupt DVL1 protein function with a negative predictive value of 80%. In summary, the available evidence is currently insufficient to determine the role of this variant in disease. Therefore, it has been classified as a Variant of Uncertain Significance.

NM_001330311.2(DVL1):c.1775G>A (p.Arg592His)

Gene: DVL1 (dishevelled segment polarity protein 1; minus strand). Cytogenetic location: 1p36.33.
Variant type: single nucleotide variant.
Coding change: c.1775G>A on transcript NM_001330311.2 (MANE Select); coding-DNA position 1775, G replaced by A.
Protein change: p.Arg592His; replaces arginine 592 with histidine.
Molecular consequence: missense variant.
Genome position (GRCh38, 1-based): chr1:1,336,455, C>T on the plus strand (G>A on the coding strand, the complement: DVL1 is on the minus strand). VCF-style: chr1-1336455-C-T. GRCh37 (hg19) VCF-style: chr1-1271835-C-T.
Other names: c.1700G>A, p.Arg567His (NM_004421.3); c.1700G>A (NM_004421.2); short protein forms R592H, R567H.
Identifiers: ClinVar variation 3680447 (VCV003680447.3).
Genomic context (GRCh38, chr1:1,336,455, plus strand): 5'-ACCCCACTCGGTGCCGTGTGATCCGATTCACTGCCACTGCCCCCAGCTCCCGCCGCCCGA[C>T]GCTCCTTCTCACGGCCCGGGGCCCGGCGGCTGCTCCGGGTGGACCCACTGCTTTTGCTCC-3'
Protein context (NP_001317240.1, residues 582-602): SRRAPGREKE[Arg592His]RAAGAGGSGS